The following is an entry in ClinVar:

NM_020964.3(EPG5):c.6844A>G (p.Ile2282Val)

Gene: EPG5 (ectopic P-granules 5 autophagy tethering factor; minus strand). Cytogenetic location: 18q12.3.
Variant type: single nucleotide variant.
Coding change: c.6844A>G on transcript NM_020964.3 (MANE Select); coding-DNA position 6844, A replaced by G.
Protein change: p.Ile2282Val; replaces isoleucine 2282 with valine.
Molecular consequence: missense variant.
Genome position (GRCh38, 1-based): chr18:45,860,269, T>C on the plus strand (A>G on the coding strand, the complement: EPG5 is on the minus strand). VCF-style: chr18-45860269-T-C. GRCh37 (hg19) VCF-style: chr18-43440234-T-C.
Other names: short protein forms I2282V.
Identifiers: ClinVar variation 1035603 (VCV001035603.7), dbSNP rs781691565, ClinGen allele CA8948132.

ClinVar aggregate classification (germline): Uncertain significance (1 of 4 stars; one submission).

Conditions:
Vici syndrome (VICIS). Identifiers: Orphanet 1493, MedGen C1855772, MONDO:0009452, OMIM 242840.

Allele frequency attached by ClinVar (database versions not stated): gnomAD exomes below 0.00001 and 0.00001; TOPMed below 0.00001; ExAC 0.00001.
gnomAD v4.1: 7 of 1,614,240 alleles (0.00043%); highest among the groups gnomAD compares: Admixed American, 0.0017%; no homozygotes.

Submission:

Labcorp Genetics (formerly Invitae), Labcorp
Classification: Uncertain significance for Vici syndrome. Last evaluated: 2022-09-02. Review status: criteria provided, single submitter. Criteria: Invitae Variant Classification Sherloc (09022015). Collection method: clinical testing. Allele origin: germline.
Comment: This sequence change replaces isoleucine, which is neutral and non-polar, with valine, which is neutral and non-polar, at codon 2282 of the EPG5 protein (p.Ile2282Val). This variant is present in population databases (rs781691565, gnomAD 0.003%). This variant has not been reported in the literature in individuals affected with EPG5-related conditions. ClinVar contains an entry for this variant (Variation ID: 1035603). Algorithms developed to predict the effect of missense changes on protein structure and function output the following: SIFT: "Tolerated"; PolyPhen-2: "Benign"; Align-GVGD: "Class C0". The valine amino acid residue is found in multiple mammalian species, which suggests that this missense change does not adversely affect protein function. In summary, the available evidence is currently insufficient to determine the role of this variant in disease. Therefore, it has been classified as a Variant of Uncertain Significance.